The following is an entry in ClinVar:

NM_001170700.3(DTHD1):c.1753A>C (p.Lys585Gln)

Gene: DTHD1 (death domain containing 1; plus strand). Cytogenetic location: 4p14.
Variant type: single nucleotide variant.
Coding change: c.1753A>C on transcript NM_001170700.3 (MANE Select); coding-DNA position 1753, A replaced by C.
Protein change: p.Lys585Gln; replaces lysine 585 with glutamine.
Molecular consequence: missense variant. On other transcripts: non-coding transcript variant (2).
Genome position (GRCh38, 1-based): chr4:36,306,300, A>C. VCF-style: chr4-36306300-A-C. GRCh37 (hg19) VCF-style: chr4-36307922-A-C.
Other names: c.883A>C, p.Lys295Gln (NM_001136536.5); c.820A>C, p.Lys274Gln (NM_001378435.1); short protein forms K274Q, K585Q, K295Q.
Identifiers: ClinVar variation 1379067 (VCV001379067.6), dbSNP rs2109493689, ClinGen allele CA356680523.
Genomic context (GRCh38, chr4:36,306,300, plus strand): 5'-TTGAAATTACTGGGATTCAGAAGCCAAGACAGTGGTTGGTGTGGGCTTGATGATGTTGTG[A>C]AAACCATACAGAGCGGCTTGGTATCAGTTGAATTGTATGAACATTTGGAGAGGTAATACC-3'
Protein context (NP_001164171.2, residues 575-595): SGWCGLDDVV[Lys585Gln]TIQSGLVSVE

ClinVar aggregate classification (germline): Uncertain significance (1 of 4 stars; one submission).

Allele frequency attached by ClinVar (database versions not stated): gnomAD exomes below 0.00001.
gnomAD v4.1: 1 of 1,551,712 alleles (0.000064%); highest among the groups gnomAD compares: Non-Finnish European, 0.000087%; no homozygotes.

Submission:

Labcorp Genetics (formerly Invitae), Labcorp
Classification: Uncertain significance. Last evaluated: 2022-06-27. Review status: criteria provided, single submitter. Criteria: Invitae Variant Classification Sherloc (09022015). Collection method: clinical testing. Allele origin: germline.
Comment: In summary, the available evidence is currently insufficient to determine the role of this variant in disease. Therefore, it has been classified as a Variant of Uncertain Significance. Algorithms developed to predict the effect of missense changes on protein structure and function (SIFT, PolyPhen-2, Align-GVGD) all suggest that this variant is likely to be tolerated. This variant has not been reported in the literature in individuals affected with DTHD1-related conditions. This variant is not present in population databases (gnomAD no frequency). This sequence change replaces lysine, which is basic and polar, with glutamine, which is neutral and polar, at codon 295 of the DTHD1 protein (p.Lys295Gln).